The following is an entry in ClinVar:

ClinVar aggregate classification (germline): Uncertain significance (1 of 4 stars; one submission).

Submission:

GeneDx
Classification: Uncertain significance. Last evaluated: 2025-01-12. Review status: criteria provided, single submitter. Criteria: GeneDx Variant Classification Process June 2021. Collection method: clinical testing. Allele origin: germline. Affected: yes.
Comment: Not observed at significant frequency in large population cohorts (gnomAD); In silico analysis supports that this missense variant has a deleterious effect on protein structure/function; Has not been previously published as pathogenic or benign to our knowledge

NM_001347721.2(DYRK1A):c.545A>T (p.Lys182Met)

Gene: DYRK1A (dual specificity tyrosine phosphorylation regulated kinase 1A; plus strand). Cytogenetic location: 21q22.13.
Variant type: single nucleotide variant.
Coding change: c.545A>T on transcript NM_001347721.2 (MANE Select); coding-DNA position 545, A replaced by T.
Protein change: p.Lys182Met; replaces lysine 182 with methionine.
Molecular consequence: missense variant.
Genome position (GRCh38, 1-based): chr21:37,486,522, A>T. VCF-style: chr21-37486522-A-T. GRCh37 (hg19) VCF-style: chr21-38858824-A-T.
Other names: c.545A>T, p.Lys182Met (NM_001347722.2, NM_130436.2); c.458A>T, p.Lys153Met (NM_001347723.2); c.572A>T, p.Lys191Met (NM_001396.5, NM_101395.2, NM_130438.2); short protein forms K153M, K182M, K191M.
Identifiers: ClinVar variation 4057168 (VCV004057168.1).